The following is an entry in ClinVar:

ClinVar aggregate classification (germline): Uncertain significance (1 of 4 stars; one submission).

Submission:

GeneDx
Classification: Uncertain significance. Last evaluated: 2024-11-06. Review status: criteria provided, single submitter. Criteria: GeneDx Variant Classification Process June 2021. Collection method: clinical testing. Allele origin: germline. Affected: yes.
Comment: Not observed at significant frequency in large population cohorts (gnomAD); In silico analysis indicates that this missense variant does not alter protein structure/function; Has not been previously published as pathogenic or benign to our knowledge

NM_001378454.1(ALMS1):c.977C>A (p.Ser326Tyr)

Gene: ALMS1 (ALMS1 centrosome and basal body associated protein; plus strand). Cytogenetic location: 2p13.1.
Variant type: single nucleotide variant.
Coding change: c.977C>A on transcript NM_001378454.1 (MANE Select); coding-DNA position 977, C replaced by A.
Protein change: p.Ser326Tyr; replaces serine 326 with tyrosine.
Molecular consequence: missense variant.
Genome position (GRCh38, 1-based): chr2:73,424,642, C>A. VCF-style: chr2-73424642-C-A. GRCh37 (hg19) VCF-style: chr2-73651770-C-A.
Other names: c.980C>A, p.Ser327Tyr (NM_015120.4); short protein forms S326Y, S327Y.
Identifiers: ClinVar variation 3898911 (VCV003898911.1).